The following is an entry in ClinVar:

NM_032447.5(FBN3):c.6505G>A (p.Glu2169Lys)

Gene: FBN3 (fibrillin 3; minus strand). Cytogenetic location: 19p13.2.
Variant type: single nucleotide variant.
Coding change: c.6505G>A on transcript NM_032447.5 (MANE Select); coding-DNA position 6505, G replaced by A.
Protein change: p.Glu2169Lys; replaces glutamic acid 2169 with lysine.
Molecular consequence: missense variant.
Genome position (GRCh38, 1-based): chr19:8,087,939, C>T on the plus strand (G>A on the coding strand, the complement: FBN3 is on the minus strand). VCF-style: chr19-8087939-C-T. GRCh37 (hg19) VCF-style: chr19-8152823-C-T.
Other names: c.6505G>A, p.Glu2169Lys (NM_001321431.2); short protein forms E2169K.
Identifiers: ClinVar variation 2060008 (VCV002060008.13), dbSNP rs144478192, ClinGen allele CA9151246.

ClinVar aggregate classification (germline): Uncertain significance. Review status: criteria provided, multiple submitters, no conflicts (2 of 4 stars). 3 submissions from 3 submitters: Uncertain significance (3). Last evaluated 2025-10-19.

Allele frequency attached by ClinVar (database versions not stated): TOPMed 0.00013; gnomAD exomes 0.00001; ExAC 0.00005; gnomAD 0.00007; ESP Exome Variant Server 0.00008.
gnomAD v4.1: 29 of 1,613,972 alleles (0.0018%); highest among the groups gnomAD compares: African/African-American, 0.024%; no homozygotes.

Submissions (3):

Labcorp Genetics (formerly Invitae), Labcorp
Classification: Uncertain significance. Last evaluated: 2025-10-19. Review status: criteria provided, single submitter. Criteria: Invitae Variant Classification Sherloc (09022015). Collection method: clinical testing. Allele origin: germline.
Comment: This sequence change replaces glutamic acid, which is acidic and polar, with lysine, which is basic and polar, at codon 2169 of the FBN3 protein (p.Glu2169Lys). This variant is present in population databases (rs144478192, gnomAD 0.03%). This variant has not been reported in the literature in individuals affected with FBN3-related conditions. ClinVar contains an entry for this variant (Variation ID: 2060008). Invitae Evidence Modeling of protein sequence and biophysical properties (such as structural, functional, and spatial information, amino acid conservation, physicochemical variation, residue mobility, and thermodynamic stability) indicates that this missense variant is expected to disrupt FBN3 protein function with a positive predictive value of 80%. In summary, the available evidence is currently insufficient to determine the role of this variant in disease. Therefore, it has been classified as a Variant of Uncertain Significance.

CeGaT Center for Human Genetics Tuebingen
Classification: Uncertain significance. Last evaluated: 2025-07-01. Review status: criteria provided, single submitter. Criteria: CeGaT Center For Human Genetics Tuebingen Variant Classification Criteria Version 2. Collection method: clinical testing. Allele origin: germline. Affected: yes. Observed: 1 variant allele.
Comment: FBN3: PM2

Ambry Genetics
Classification: Uncertain significance. Last evaluated: 2021-09-16. Review status: criteria provided, single submitter. Criteria: Ambry Variant Classification Scheme 2023. Collection method: clinical testing. Allele origin: germline.